The following is an entry in ClinVar:

ClinVar aggregate classification (germline): Uncertain significance. Review status: criteria provided, multiple submitters, no conflicts (2 of 4 stars). 2 submissions from 2 submitters: Uncertain significance (2). Last evaluated 2025-06-22.

Conditions:
Cardiovascular phenotype. Identifiers: MedGen CN230736.
Hypertrophic cardiomyopathy 14. Identifiers: MedGen C2750467, MONDO:0013197, OMIM 613251.

Allele frequency attached by ClinVar (database versions not stated): gnomAD exomes below 0.00001.
gnomAD v4.1: 3 of 1,614,100 alleles (0.00019%); highest among the groups gnomAD compares: Admixed American, 0.005%; no homozygotes.

Submissions (2):

Ambry Genetics
Classification: Uncertain significance for Cardiovascular phenotype. Last evaluated: 2025-06-22. Review status: criteria provided, single submitter. Criteria: Ambry Variant Classification Scheme 2023. Collection method: clinical testing. Allele origin: germline.

Labcorp Genetics (formerly Invitae), Labcorp
Classification: Uncertain significance for Hypertrophic cardiomyopathy 14. Last evaluated: 2025-01-20. Review status: criteria provided, single submitter. Criteria: Invitae Variant Classification Sherloc (09022015). Collection method: clinical testing. Allele origin: germline.
Comment: This sequence change replaces glutamic acid, which is acidic and polar, with lysine, which is basic and polar, at codon 1503 of the MYH6 protein (p.Glu1503Lys). This variant is present in population databases (no rsID available, gnomAD 0.003%). This variant has not been reported in the literature in individuals affected with MYH6-related conditions. ClinVar contains an entry for this variant (Variation ID: 1039671). Invitae Evidence Modeling of protein sequence and biophysical properties (such as structural, functional, and spatial information, amino acid conservation, physicochemical variation, residue mobility, and thermodynamic stability) indicates that this missense variant is expected to disrupt MYH6 protein function with a positive predictive value of 80%. In summary, the available evidence is currently insufficient to determine the role of this variant in disease. Therefore, it has been classified as a Variant of Uncertain Significance.

NM_002471.4(MYH6):c.4507G>A (p.Glu1503Lys)

Gene: MYH6 (myosin heavy chain 6; minus strand). Cytogenetic location: 14q11.2.
Variant type: single nucleotide variant.
Coding change: c.4507G>A on transcript NM_002471.4 (MANE Select); coding-DNA position 4507, G replaced by A.
Protein change: p.Glu1503Lys; replaces glutamic acid 1503 with lysine.
Molecular consequence: missense variant.
Genome position (GRCh38, 1-based): chr14:23,387,776, C>T on the plus strand (G>A on the coding strand, the complement: MYH6 is on the minus strand). VCF-style: chr14-23387776-C-T. GRCh37 (hg19) VCF-style: chr14-23856985-C-T.
Other names: c.4507G>A (NM_002471.3); short protein forms E1503K.
Identifiers: ClinVar variation 1039671 (VCV001039671.10), dbSNP rs1381595537, ClinGen allele CA388997042.